The following is an entry in ClinVar:

ClinVar aggregate classification (germline): Pathogenic (1 of 4 stars; one submission).

Conditions:
Polycystic kidney disease, adult type (PKD1). Also called: POLYCYSTIC KIDNEY DISEASE 1 WITH OR WITHOUT POLYCYSTIC LIVER DISEASE; POLYCYSTIC KIDNEY DISEASE, ADULT, TYPE I; Polycystic Kidney Disease 1, Autosomal Dominant; Polycystic kidney disease 1; Polycystic kidney disease 1, severe; Polycystic Kidney, Autosomal Dominant. Identifiers: MedGen C3149841, MONDO:0008263, OMIM 173900.

Submission:

Women's Health and Genetics/Laboratory Corporation of America, LabCorp
Classification: Pathogenic for Polycystic kidney disease, adult type. Last evaluated: 2025-04-22. Review status: criteria provided, single submitter. Criteria: LabCorp Variant Classification Summary - May 2015. Collection method: clinical testing. Allele origin: germline.
Comment: Variant summary: PKD1 c.371_386dup16 (p.Cys129TrpfsX5) results in a premature termination codon, predicted to cause absence of the protein due to nonsense mediated decay, which is a commonly known mechanism for disease. The variant was absent in 134888 control chromosomes (gnomAD). c.371_386dup16 has been observed in an individual(s) affected with Polycystic Kidney Disease 1 (Cornec-LeGall_2016). The following publication has been ascertained in the context of this evaluation (PMID: 26150605). No submitters have cited clinical-significance assessments for this variant to ClinVar. Based on the evidence outlined above, the variant was classified as pathogenic.

Literature cited by the submitters: PubMed 26150605.

NM_001009944.3(PKD1):c.371_386dup (p.Cys129delinsTrpGluProValTer)

Gene: PKD1 (polycystin 1, transient receptor potential channel interacting; minus strand). Cytogenetic location: 16p13.3.
Variant type: Duplication.
Coding change: c.371_386dup on transcript NM_001009944.3 (MANE Select); coding-DNA positions 371 to 386, 16 bases duplicated (GGAACCCGTTTGAGTG).
Protein change: p.Cys129delinsTrpGluProValTer.
Molecular consequence: nonsense.
Genome position (GRCh38, 1-based): chr16:2,118,819-2,118,834, CACTCAAACGGGTTCC duplicated on the plus strand (GGAACCCGTTTGAGTG on the coding strand, the reverse complement: PKD1 is on the minus strand); duplicating any 16 consecutive bases within chr16:2,118,819-2,118,840 gives the same sequence; the c. name uses the placement nearest the transcript's 3' end. VCF-style (leftmost placement, unchanged base first): chr16-2118818-A-ACACTCAAACGGGTTCC. GRCh37 (hg19) VCF-style: chr16-2168819-A-ACACTCAAACGGGTTCC.
Other names: c.371_386dup, p.Cys129delinsTrpGluProValTer (NM_000296.4); c.371_386dup16 (NM_001009944.3).
Identifiers: ClinVar variation 3896689 (VCV003896689.2).